The following is an entry in ClinVar:

ClinVar aggregate classification (germline): Uncertain significance (1 of 4 stars; one submission).

Conditions:
Familial thoracic aortic aneurysm and aortic dissection (TAAD). Also called: Thoracic aortic aneurysms and dissections. Identifiers: Orphanet 91387, MedGen C4707243, MONDO:0019625.

Allele frequency attached by ClinVar (database versions not stated): TOPMed below 0.00001.
gnomAD v4.1: 2 of 1,614,070 alleles (0.00012%); highest among the groups gnomAD compares: Non-Finnish European, 0.00017%; no homozygotes.

Submission:

Color Diagnostics, LLC DBA Color Health
Classification: Uncertain significance for Familial thoracic aortic aneurysm and aortic dissection. Last evaluated: 2023-12-05. Review status: criteria provided, single submitter. Criteria: ACMG Guidelines, 2015. Collection method: clinical testing. Allele origin: germline.
Comment: This missense variant replaces isoleucine with leucine at codon 209 of the TGFBR2 protein. Computational prediction tools and conservation analyses suggest that this variant may not impact protein structure and function. Splice site prediction tools suggest that this variant may not impact RNA splicing. To our knowledge, functional studies have not been performed for this variant. This variant has not been reported in individuals affected with cardiovascular disorders in the literature. This variant has been identified in 1/31404 chromosomes in the general population by the Genome Aggregation Database (gnomAD). The available evidence is insufficient to determine the role of this variant in disease conclusively. Therefore, this variant is classified as a Variant of Uncertain Significance.

NM_003242.6(TGFBR2):c.550A>C (p.Ile184Leu)

Gene: TGFBR2 (transforming growth factor beta receptor 2; plus strand). Cytogenetic location: 3p24.1.
Variant type: single nucleotide variant.
Coding change: c.550A>C on transcript NM_003242.6 (MANE Select); coding-DNA position 550, A replaced by C.
Protein change: p.Ile184Leu; replaces isoleucine 184 with leucine.
Molecular consequence: missense variant.
Genome position (GRCh38, 1-based): chr3:30,671,733, A>C. VCF-style: chr3-30671733-A-C. GRCh37 (hg19) VCF-style: chr3-30713225-A-C.
Other names: c.625A>C, p.Ile209Leu (NM_001024847.3); c.733A>C, p.Ile245Leu (NM_001407126.1); c.658A>C, p.Ile220Leu (NM_001407127.1); c.577A>C, p.Ile193Leu (NM_001407128.1); c.553A>C, p.Ile185Leu (NM_001407129.1); c.550A>C, p.Ile184Leu (NM_001407130.1); c.445A>C, p.Ile149Leu (NM_001407132.1, NM_001407133.1, NM_001407134.1 and 2 more transcripts); c.265A>C, p.Ile89Leu (NM_001407137.1); and 1 more; short protein forms I209L, I184L, I149L, I185L, I193L, I220L, I245L, I64L.
Identifiers: ClinVar variation 922543 (VCV000922543.6), dbSNP rs1371905176, ClinGen allele CA351807346.